The following is an entry in ClinVar:

ClinVar aggregate classification (germline): Uncertain significance (1 of 4 stars; one submission).

Conditions:
Dextro-looped transposition of the great arteries. Also called: Dextrotransposition of the great arteries. Identifiers: Orphanet 860, MedGen C3531771, MONDO:0019443, OMIM 608808, HP:0031348.

Allele frequency attached by ClinVar (database versions not stated): gnomAD exomes below 0.00001.
gnomAD v4.1: 1 of 1,613,992 alleles (0.000062%); highest among the groups gnomAD compares: Middle Eastern, 0.017%; no homozygotes.

Submission:

Labcorp Genetics (formerly Invitae), Labcorp
Classification: Uncertain significance for Dextro-looped transposition of the great arteries. Last evaluated: 2025-05-19. Review status: criteria provided, single submitter. Criteria: Invitae Variant Classification Sherloc (09022015). Collection method: clinical testing. Allele origin: germline.
Comment: This sequence change replaces alanine, which is neutral and non-polar, with threonine, which is neutral and polar, at codon 771 of the MED13L protein (p.Ala771Thr). This variant is not present in population databases (gnomAD no frequency). This variant has not been reported in the literature in individuals affected with MED13L-related conditions. ClinVar contains an entry for this variant (Variation ID: 2005182). Invitae Evidence Modeling of protein sequence and biophysical properties (such as structural, functional, and spatial information, amino acid conservation, physicochemical variation, residue mobility, and thermodynamic stability) indicates that this missense variant is not expected to disrupt MED13L protein function with a negative predictive value of 95%. In summary, the available evidence is currently insufficient to determine the role of this variant in disease. Therefore, it has been classified as a Variant of Uncertain Significance.

NM_015335.5(MED13L):c.2311G>A (p.Ala771Thr)

Gene: MED13L (mediator complex subunit 13L; minus strand). Cytogenetic location: 12q24.21.
Variant type: single nucleotide variant.
Coding change: c.2311G>A on transcript NM_015335.5 (MANE Select); coding-DNA position 2311, G replaced by A.
Protein change: p.Ala771Thr; replaces alanine 771 with threonine.
Molecular consequence: missense variant.
Genome position (GRCh38, 1-based): chr12:116,006,339, C>T on the plus strand (G>A on the coding strand, the complement: MED13L is on the minus strand). VCF-style: chr12-116006339-C-T. GRCh37 (hg19) VCF-style: chr12-116444144-C-T.
Other names: short protein forms A771T.
Identifiers: ClinVar variation 2005182 (VCV002005182.4), dbSNP rs2499901460, ClinGen allele CA386893432.